The following is an entry in ClinVar:

NM_001111.5(ADAR):c.*245T>C

Gene: ADAR (adenosine deaminase RNA specific; minus strand). Cytogenetic location: 1q21.3.
Variant type: single nucleotide variant.
Coding change: c.*245T>C on transcript NM_001111.5 (MANE Select); 245 bases downstream of the stop codon, T replaced by C.
Molecular consequence: 3 prime UTR variant.
Genome position (GRCh38, 1-based): chr1:154,584,561, A>G on the plus strand (T>C on the coding strand, the complement: ADAR is on the minus strand). VCF-style: chr1-154584561-A-G. GRCh37 (hg19) VCF-style: chr1-154557037-A-G.
Other names: c.*245T>C (LRG_1212t1, NM_001025107.3, NM_001193495.2 and 7 more transcripts).
Identifiers: ClinVar variation 292753 (VCV000292753.6), dbSNP rs376176238, ClinGen allele CA10608298.

ClinVar aggregate classification (germline): Benign. Review status: criteria provided, multiple submitters, no conflicts (2 of 4 stars). 2 submissions from 2 submitters: Benign (2). Last evaluated 2018-01-12.

Conditions:
Symmetrical dyschromatosis of extremities (DSH). Also called: Dyschromatosis symmetrica hereditaria; DYSCHROMATOSIS SYMMETRICA HEREDITARIA 1; RETICULATE ACROPIGMENTATION OF DOHI; SYMMETRIC DYSCHROMATOSIS OF THE EXTREMITIES. Identifiers: Orphanet 41, MedGen C0406775, MONDO:0007483, OMIM 127400.

Allele frequency attached by ClinVar (database versions not stated): 1000 Genomes Project 0.00060; gnomAD 0.00071 and 0.00077; TOPMed 0.00079; 1000 Genomes Project 30x 0.00031; gnomAD exomes 0.00071.

Submissions (2):

Illumina Laboratory Services, Illumina
Classification: Benign for Symmetrical dyschromatosis of extremities. Last evaluated: 2018-01-12. Review status: criteria provided, single submitter. Criteria: ICSL Variant Classification Criteria 13 December 2019. Collection method: clinical testing. Allele origin: germline.
Comment: This variant was observed in the ICSL laboratory as part of a predisposition screen in an ostensibly healthy population. It had not been previously curated by ICSL or reported in the Human Gene Mutation Database (HGMD: prior to June 1st, 2018), and was therefore a candidate for classification through an automated scoring system. Utilizing variant allele frequency, disease prevalence and penetrance estimates, and inheritance mode, an automated score was calculated to assess if this variant is too frequent to cause the disease. Based on the score and internal cut-off values, a variant classified as benign is not then subjected to further curation. The score for this variant resulted in a classification of benign for this disease.

Breakthrough Genomics
Classification: Benign. Review status: criteria provided, single submitter. Criteria: ACMG Guidelines, 2015. Collection method: not provided. Allele origin: germline. Inheritance: Autosomal recessive inheritance. Affected: yes.